The following is an entry in ClinVar:

NM_003334.4(UBA1):c.1313T>G (p.Val438Gly)

Gene: UBA1 (ubiquitin like modifier activating enzyme 1; plus strand). Cytogenetic location: Xp11.3.
Variant type: single nucleotide variant.
Coding change: c.1313T>G on transcript NM_003334.4 (MANE Select); coding-DNA position 1313, T replaced by G.
Protein change: p.Val438Gly; replaces valine 438 with glycine.
Molecular consequence: missense variant.
Genome position (GRCh38, 1-based): chrX:47,203,022, T>G. VCF-style: chrX-47203022-T-G. GRCh37 (hg19) VCF-style: chrX-47062421-T-G.
Other names: c.1313T>G, p.Val438Gly (NM_153280.3); short protein forms V438G.
Identifiers: ClinVar variation 851294 (VCV000851294.9), dbSNP rs1936479502, ClinGen allele CA412797334.

ClinVar aggregate classification (germline): Uncertain significance (1 of 4 stars; one submission).

Conditions:
Infantile-onset X-linked spinal muscular atrophy. Also called: ARTHROGRYPOSIS, X-LINKED, TYPE I; SPINAL MUSCULAR ATROPHY, X-LINKED LETHAL INFANTILE; AMC, DISTAL, X-LINKED; Spinal muscular atrophy, X-linked 2; Spinal Muscular Atrophy, X-Linked Infantile. Identifiers: Orphanet 1145, MedGen C1844934, MONDO:0010532, OMIM 301830.

Submission:

Labcorp Genetics (formerly Invitae), Labcorp
Classification: Uncertain significance for Infantile-onset X-linked spinal muscular atrophy. Last evaluated: 2019-02-08. Review status: criteria provided, single submitter. Criteria: Invitae Variant Classification Sherloc (09022015). Collection method: clinical testing. Allele origin: germline.
Comment: In summary, the available evidence is currently insufficient to determine the role of this variant in disease. Therefore, it has been classified as a Variant of Uncertain Significance. Algorithms developed to predict the effect of missense changes on protein structure and function (SIFT, PolyPhen-2, Align-GVGD) all suggest that this variant is likely to be tolerated, but these predictions have not been confirmed by published functional studies and their clinical significance is uncertain. This variant has not been reported in the literature in individuals with UBA1-related conditions. This variant is not present in population databases (ExAC no frequency). This sequence change replaces valine with glycine at codon 438 of the UBA1 protein (p.Val438Gly). The valine residue is weakly conserved and there is a moderate physicochemical difference between valine and glycine.